The following is an entry in ClinVar:

ClinVar aggregate classification (germline): Uncertain significance (1 of 4 stars; one submission).

Allele frequency attached by ClinVar (database versions not stated): gnomAD exomes below 0.00001 and 0.00002.
gnomAD v4.1: 5 of 1,210,065 alleles (0.00041%); highest among the groups gnomAD compares: Admixed American, 0.0043%; no homozygotes.

Submission:

GeneDx
Classification: Uncertain significance. Last evaluated: 2021-06-08. Review status: criteria provided, single submitter. Criteria: GeneDx Variant Classification Process June 2021. Collection method: clinical testing. Allele origin: germline. Affected: yes.
Comment: In silico analysis supports that this missense variant has a deleterious effect on protein structure/function; Has not been previously published as pathogenic or benign to our knowledge; This variant is associated with the following publications: (PMID: 27535533)

NM_001110556.2(FLNA):c.2869C>T (p.Pro957Ser)

Gene: FLNA (filamin A; minus strand). Cytogenetic location: Xq28.
Variant type: single nucleotide variant.
Coding change: c.2869C>T on transcript NM_001110556.2 (MANE Select); coding-DNA position 2869, C replaced by T.
Protein change: p.Pro957Ser; replaces proline 957 with serine.
Molecular consequence: missense variant.
Genome position (GRCh38, 1-based): chrX:154,361,745, G>A on the plus strand (C>T on the coding strand, the complement: FLNA is on the minus strand). VCF-style: chrX-154361745-G-A. GRCh37 (hg19) VCF-style: chrX-153590113-G-A.
Other names: c.2869C>T, p.Pro957Ser (NM_001456.4); short protein forms P957S.
Identifiers: ClinVar variation 1210511 (VCV001210511.3), dbSNP rs1557178081, ClinGen allele CA415231683.